The following is an entry in ClinVar:

NM_033056.4(PCDH15):c.4699_4715dup (p.Leu1573fs)

Gene: PCDH15 (protocadherin related 15; minus strand). Cytogenetic location: 10q21.1.
Variant type: Duplication.
Coding change: c.4699_4715dup on transcript NM_033056.4 (MANE Plus Clinical); coding-DNA positions 4699 to 4715, 17 bases duplicated (AGAGAAAAGATTCAGAG).
Protein change: p.Leu1573fs; shifts the reading frame from leucine 1573.
Molecular consequence: frameshift variant. On other transcripts: intron variant (8).
Genome position (GRCh38, 1-based): chr10:53,823,011-53,823,027, CTCTGAATCTTTTCTCT duplicated on the plus strand (AGAGAAAAGATTCAGAG on the coding strand, the reverse complement: PCDH15 is on the minus strand). VCF-style (leftmost placement, unchanged base first): chr10-53823010-C-CCTCTGAATCTTTTCTCT. GRCh37 (hg19) VCF-style: chr10-55582770-C-CCTCTGAATCTTTTCTCT.
Other names: c.4368-2797_4368-2781dup (NM_001384140.1); c.4373+2109_4373+2125dup (NM_001142772.2, NM_001142770.3); c.4388+2109_4388+2125dup (NM_001142771.2); c.4388+4366_4388+4382dup (NM_001354411.2); c.4409+2109_4409+2125dup (NM_001142769.3); c.4579_4595dup, p.Leu1533fs (NM_001142767.2); c.4639_4655dup, p.Leu1553fs (NM_001142768.2); c.4630_4646dup, p.Leu1550fs (NM_001142773.2); and 6 more; short protein forms L1504fs, L1533fs, L1550fs, L1551fs, L1553fs, L1570fs, L1573fs, L1575fs.
Identifiers: ClinVar variation 1076917 (VCV001076917.10), dbSNP rs763882874, ClinGen allele CA5505210.
Genomic context (GRCh38, chr10:53,823,010, plus strand): 5'-TGGTCTATTTGGAACTTTCCTCATCAGCCTCCTGGGTAAGCTGACTGACTGACTCCACAG[C>CCTCTGAATCTTTTCTCT]CTCTGAATCTTTTCTCTTGGGCCCCTCAGAGACTTACTCTTGGCTTGTATTTTGGGTGAA-3'

ClinVar aggregate classification (germline): Conflicting classifications of pathogenicity. Review status: criteria provided, conflicting classifications (1 of 4 stars). 4 submissions from 4 submitters: Pathogenic (1); Likely pathogenic (2); Uncertain significance (1). Last evaluated 2026-04-01.

Conditions:
Usher syndrome type 1F (USH1F). Also called: USHER SYNDROME, TYPE IF. Identifiers: Orphanet 231169, Orphanet 886, MedGen C1865885, MONDO:0011186, OMIM 602083.
Usher syndrome type 1D (USH1D). Also called: USHER SYNDROME, TYPE ID. Identifiers: Orphanet 231169, Orphanet 886, MedGen C1832845, MONDO:0010984, OMIM 601067.
Autosomal recessive nonsyndromic hearing loss 23. Identifiers: Orphanet 90636, MedGen C1836027, MONDO:0012293, OMIM 609533.

Allele frequency attached by ClinVar (database versions not stated): gnomAD exomes 0.00005 and 0.00001; gnomAD 0.00002 and 0.00003; TOPMed 0.00001; ExAC 0.00003.

Submissions (4):

Myriad Genetics, Inc.
Classification: Uncertain significance for Usher syndrome type 1F. Last evaluated: 2026-04-01. Review status: criteria provided, single submitter. Criteria: Myriad Autosomal Dominant, Autosomal Recessive and X-Linked Classification Criteria (2023). Collection method: clinical testing. Allele origin: unknown.
Comment: NM_033056.3(PCDH15):c.4699_4715dup17(L1573Efs*18) is a frameshift variant classified as a variant of uncertain significance in the context of PCDH15-related disorders. L1573Efs*18 has been observed in a case with relevant disease (PMID: 40322553). Relevant functional assessments of this variant are not available in the literature. L1573Efs*18 has been observed in referenced population frequency databases. In summary, there is insufficient evidence to classify NM_033056.3(PCDH15):c.4699_4715dup17(L1573Efs*18) as pathogenic or benign. Please note: this variant was assessed in the context of healthy population screening.

SingHealth Duke-NUS Institute of Precision Medicine
Classification: Likely pathogenic for Usher syndrome type 1F. Last evaluated: 2025-02-05. Review status: criteria provided, single submitter. Criteria: PRISM ACMG Classification Criteria. Collection method: clinical testing. Allele origin: germline. Affected: yes.
Comment: Variant is predicted to cause LOF and truncates more than 10% of the protein (PVS1). Homozygous allele count in gnomAD exomes and genomes are less than 0 (PM2)

Labcorp Genetics (formerly Invitae), Labcorp
Classification: Pathogenic. Last evaluated: 2024-03-20. Review status: criteria provided, single submitter. Criteria: Invitae Variant Classification Sherloc (09022015). Collection method: clinical testing. Allele origin: germline.
Comment: This sequence change creates a premature translational stop signal (p.Leu1573Glufs*18) in the PCDH15 gene. While this is not anticipated to result in nonsense mediated decay, it is expected to disrupt the last 383 amino acid(s) of the PCDH15 protein. This variant is present in population databases (rs763882874, gnomAD 0.08%). This variant has not been reported in the literature in individuals affected with PCDH15-related conditions. ClinVar contains an entry for this variant (Variation ID: 1076917). This variant disrupts a region of the PCDH15 protein in which other variant(s) (p.Gln1576*) have been determined to be pathogenic (PMID: 28281779). This suggests that this is a clinically significant region of the protein, and that variants that disrupt it are likely to be disease-causing. For these reasons, this variant has been classified as Pathogenic.

Fulgent Genetics
Classification: Likely pathogenic for Usher syndrome type 1D; Usher syndrome type 1F; Autosomal recessive nonsyndromic hearing loss 23. Last evaluated: 2024-02-16. Review status: criteria provided, single submitter. Criteria: ACMG Guidelines, 2015. Collection method: clinical testing. Allele origin: germline.

Literature cited by the submitters: PubMed 40322553 (cited by Myriad Genetics, Inc.); PubMed 28281779 (cited by Labcorp Genetics (formerly Invitae), Labcorp).